The following is an entry in ClinVar:

NM_001292063.2(OTOG):c.8329C>T (p.His2777Tyr)

Gene: OTOG (otogelin; plus strand). Cytogenetic location: 11p15.1.
Variant type: single nucleotide variant.
Coding change: c.8329C>T on transcript NM_001292063.2 (MANE Select); coding-DNA position 8329, C replaced by T.
Protein change: p.His2777Tyr; replaces histidine 2777 with tyrosine.
Molecular consequence: missense variant.
Genome position (GRCh38, 1-based): chr11:17,642,160, C>T. VCF-style: chr11-17642160-C-T. GRCh37 (hg19) VCF-style: chr11-17663707-C-T.
Other names: c.8365C>T, p.His2789Tyr (NM_001277269.2); short protein forms H2777Y, H2789Y.
Identifiers: ClinVar variation 4537971 (VCV004537971.1).

ClinVar aggregate classification (germline): Uncertain significance (1 of 4 stars; one submission).

gnomAD v4.1: 7 of 1,549,784 alleles (0.00045%); highest among the groups gnomAD compares: Non-Finnish European, 0.00052%; no homozygotes.

Submission:

GeneDx
Classification: Uncertain significance. Last evaluated: 2025-06-11. Review status: criteria provided, single submitter. Criteria: GeneDx Variant Classification Process June 2021. Collection method: clinical testing. Allele origin: germline. Affected: yes.
Comment: Not observed at significant frequency in large population cohorts (gnomAD); In silico analysis suggests that this missense variant does not alter protein structure/function; Has not been previously published as pathogenic or benign to our knowledge